The following is an entry in ClinVar:

ClinVar aggregate classification (germline): Pathogenic (1 of 4 stars; one submission).

Submission:

Labcorp Genetics (formerly Invitae), Labcorp
Classification: Pathogenic. Last evaluated: 2023-10-08. Review status: criteria provided, single submitter. Criteria: Invitae Variant Classification Sherloc (09022015). Collection method: clinical testing. Allele origin: germline.
Comment: This sequence change creates a premature translational stop signal (p.Gln688*) in the ABCB11 gene. It is expected to result in an absent or disrupted protein product. Loss-of-function variants in ABCB11 are known to be pathogenic (PMID: 18395098, 20232290). This variant is not present in population databases (gnomAD no frequency). This variant has not been reported in the literature in individuals affected with ABCB11-related conditions. Algorithms developed to predict the effect of sequence changes on RNA splicing suggest that this variant may disrupt the consensus splice site. For these reasons, this variant has been classified as Pathogenic.

Literature cited by the submitters: PubMed 18395098; PubMed 20232290.

NM_003742.4(ABCB11):c.2062C>T (p.Gln688Ter)

Gene: ABCB11 (ATP binding cassette subfamily B member 11; minus strand). Cytogenetic location: 2q31.1.
Variant type: single nucleotide variant.
Coding change: c.2062C>T on transcript NM_003742.4 (MANE Select); coding-DNA position 2062, C replaced by T.
Protein change: p.Gln688Ter; replaces glutamine 688 with a stop codon.
Molecular consequence: nonsense.
Genome position (GRCh38, 1-based): chr2:168,968,440, G>A on the plus strand (C>T on the coding strand, the complement: ABCB11 is on the minus strand). VCF-style: chr2-168968440-G-A. GRCh37 (hg19) VCF-style: chr2-169824950-G-A.
Other names: short protein forms Q688*.
Identifiers: ClinVar variation 2766896 (VCV002766896.3), dbSNP rs2545376376, ClinGen allele CA349111242.
Genomic context (GRCh38, chr2:168,968,440, plus strand): 5'-TCAGAATATTTGGAAAGCTTGTAATCTGCCCCATGGCTTGAGCTTACCTTAAACTATCCT[G>A]GTAGCTCCCTCTGCTAAAGGTCCTCGCAAGCATGTCATCTTCAGTTGCATCTACTCAACA-3'